The following is an entry in ClinVar:

NM_001378454.1(ALMS1):c.7301_7302del (p.Glu2434fs)

Gene: ALMS1 (ALMS1 centrosome and basal body associated protein; plus strand). Cytogenetic location: 2p13.1.
Variant type: Microsatellite.
Coding change: c.7301_7302del on transcript NM_001378454.1 (MANE Select); coding-DNA positions 7301 to 7302, 2 bases deleted (AG; older notation c.7301_7302delAG).
Protein change: p.Glu2434fs; shifts the reading frame from glutamic acid 2434.
Molecular consequence: frameshift variant.
Genome position (GRCh38, 1-based): chr2:73,453,828-73,453,829, AG deleted; deleting any 2 consecutive bases within chr2:73,453,826-73,453,829 gives the same sequence; the c. name uses the placement nearest the transcript's 3' end. VCF-style (leftmost placement, unchanged base first): chr2-73453825-CAG-C. GRCh37 (hg19) VCF-style: chr2-73680952-CAG-C.
Other names: c.7304_7305delAG (NM_015120.4); c.7304_7305del, p.Glu2435fs (NM_015120.4); short protein forms E2435fs, E2434fs.
Identifiers: ClinVar variation 459884 (VCV000459884.14), dbSNP rs1246023978, ClinGen allele CA534125693.
Genomic context (GRCh38, chr2:73,453,825, plus strand): 5'-GTGATTCAAGTAGTGATGCCAGTGATGGAAATGGTTCCTGCTCGTGGGACAGTAATTTAC[CAG>C]AGTCTTTGGAATCAGTTTCTGATGTTCTTCTAAACTTCTTTCCATATGTTTCACCCAAGA-3'

ClinVar aggregate classification (germline): Pathogenic. Review status: criteria provided, multiple submitters, no conflicts (2 of 4 stars). 4 submissions from 4 submitters: Pathogenic (3). 1 of the submissions does not count toward it. Last evaluated 2025-12-09.

Conditions:
Alstrom syndrome (ALMS). Identifiers: Orphanet 64, MedGen C0268425, MONDO:0008763, OMIM 203800.

Submissions (4):

Genetics Research Center, University of Social Welfare and Rehabilitation Sciences
Classification: Pathogenic for Alstrom syndrome. Last evaluated: 2025-12-09. Review status: criteria provided, single submitter. Criteria: ACMG Guidelines, 2015. Collection method: research. Allele origin: germline. Affected: yes.
Comment: The variant is present at a very low allele frequency (0.0004%) in the gnomAD v2.1.1 dataset and has been reported in individual(s) with Alstrom syndrome (PMID:17594715). It is a premature termination codon expected to result in an absent or disrupted protein product.

Labcorp Genetics (formerly Invitae), Labcorp
Classification: Pathogenic for Alstrom syndrome. Last evaluated: 2025-04-20. Review status: criteria provided, single submitter. Criteria: Invitae Variant Classification Sherloc (09022015). Collection method: clinical testing. Allele origin: germline.
Comment: This sequence change creates a premature translational stop signal (p.Glu2435Valfs*7) in the ALMS1 gene. It is expected to result in an absent or disrupted protein product. Loss-of-function variants in ALMS1 are known to be pathogenic (PMID: 17594715). This variant is present in population databases (no rsID available, gnomAD 0.0009%). This premature translational stop signal has been observed in individual(s) with Alström syndrome (PMID: 17594715). ClinVar contains an entry for this variant (Variation ID: 459884). For these reasons, this variant has been classified as Pathogenic.

Fulgent Genetics
Classification: Pathogenic for Alstrom syndrome. Last evaluated: 2022-02-05. Review status: criteria provided, single submitter. Criteria: ACMG Guidelines, 2015. Collection method: clinical testing. Allele origin: unknown.

Natera, Inc.
Classification: Pathogenic for Alstrom syndrome. Last evaluated: 2021-04-20. Review status: no assertion criteria provided. Collection method: clinical testing. Allele origin: germline. Not counted in ClinVar's aggregate classification.

Literature cited by the submitters: PubMed 17594715 (cited by Genetics Research Center, University of Social Welfare and Rehabilitation Sciences and Labcorp Genetics (formerly Invitae), Labcorp).